The following is an entry in ClinVar:

ClinVar aggregate classification (germline): Uncertain significance. Review status: criteria provided, multiple submitters, no conflicts (2 of 4 stars). 3 submissions from 3 submitters: Uncertain significance (2). 1 of the submissions does not count toward it. Last evaluated 2023-02-22.

Conditions:
UCP3-related disorder. Also called: UCP3-related condition.

Allele frequency attached by ClinVar (database versions not stated): ExAC 0.00002; gnomAD 0.00007; ESP Exome Variant Server 0.00008; TOPMed 0.00011.

Submissions (3):

Ambry Genetics
Classification: Uncertain significance. Last evaluated: 2023-02-22. Review status: criteria provided, single submitter. Criteria: Ambry Variant Classification Scheme 2023. Collection method: clinical testing. Allele origin: germline.

Labcorp Genetics (formerly Invitae), Labcorp
Classification: Uncertain significance. Last evaluated: 2022-03-18. Review status: criteria provided, single submitter. Criteria: Invitae Variant Classification Sherloc (09022015). Collection method: clinical testing. Allele origin: germline.
Comment: This sequence change replaces leucine, which is neutral and non-polar, with serine, which is neutral and polar, at codon 281 of the UCP3 protein (p.Leu281Ser). In summary, the available evidence is currently insufficient to determine the role of this variant in disease. Therefore, it has been classified as a Variant of Uncertain Significance. Algorithms developed to predict the effect of missense changes on protein structure and function are either unavailable or do not agree on the potential impact of this missense change (SIFT: "Tolerated"; PolyPhen-2: "Possibly Damaging"; Align-GVGD: "Class C0"). This variant has not been reported in the literature in individuals affected with UCP3-related conditions. This variant is present in population databases (rs371947420, gnomAD 0.03%).

PreventionGenetics, part of Exact Sciences
Classification: Uncertain significance for UCP3-related condition. Last evaluated: 2024-06-17. Review status: no assertion criteria provided. Collection method: clinical testing. Allele origin: germline. Not counted in ClinVar's aggregate classification.
Comment: The UCP3 c.842T>C variant is predicted to result in the amino acid substitution p.Leu281Ser. To our knowledge, this variant has not been reported in the literature. This variant is reported in 0.032% of alleles in individuals of African descent in gnomAD. At this time, the clinical significance of this variant is uncertain due to the absence of conclusive functional and genetic evidence.

NM_003356.4(UCP3):c.842T>C (p.Leu281Ser)

Gene: UCP3 (uncoupling protein 3; minus strand). Cytogenetic location: 11q13.4.
Variant type: single nucleotide variant.
Coding change: c.842T>C on transcript NM_003356.4 (MANE Select); coding-DNA position 842, T replaced by C.
Protein change: p.Leu281Ser; replaces leucine 281 with serine.
Molecular consequence: missense variant.
Genome position (GRCh38, 1-based): chr11:74,001,509, A>G on the plus strand (T>C on the coding strand, the complement: UCP3 is on the minus strand). VCF-style: chr11-74001509-A-G. GRCh37 (hg19) VCF-style: chr11-73712554-A-G.
Other names: c.842T>C (NM_003356.3); short protein forms L281S.
Identifiers: ClinVar variation 2175843 (VCV002175843.9), dbSNP rs371947420, ClinGen allele CA6181330.
Genomic context (GRCh38, chr11:74,001,509, plus strand): 5'-AGGGCCCGTTTCAGCTGCTCATAGGTTACGAACATCACCACGTTCCAGGATCCCAAACGC[A>G]AAAAGGAGGGTGTAAATCTGATAAGAAAAACAACCAACACATCAGGTGGAGTGCTAGGGG-3'
Protein context (NP_003347.1, residues 271-291): AFYKGFTPSF[Leu281Ser]RLGSWNVVMF